The following is an entry in ClinVar:

ClinVar aggregate classification (germline): Uncertain significance (1 of 4 stars; one submission).

Conditions:
Hereditary cancer-predisposing syndrome. Also called: Hereditary Cancer Syndrome; Hereditary neoplastic syndrome; Tumor predisposition; Neoplastic Syndromes, Hereditary. Identifiers: Orphanet 140162, MedGen C0027672, MeSH D009386, MONDO:0015356.

Submission:

Ambry Genetics
Classification: Uncertain significance for Hereditary cancer-predisposing syndrome. Last evaluated: 2015-12-14. Review status: criteria provided, single submitter. Criteria: Ambry Variant Classification Scheme 2023. Collection method: clinical testing. Allele origin: germline.
Comment: The p.Y817H variant (also known as c.2449T>C), located in coding exon 16 of the BRIP1 gene, results from a T to C substitution at nucleotide position 2449. The tyrosine at codon 817 is replaced by histidine, an amino acid with similar properties. This variant was not reported in population based cohorts in the following databases: Database of Single Nucleotide Polymorphisms (dbSNP), NHLBI Exome Sequencing Project (ESP), and 1000 Genomes Project. In the ESP, this variant was not observed in 6503 samples (13006 alleles) with coverage at this position. To date, this alteration has been detected with an allele frequency of approximately 0.001% (greater than 120000 alleles tested) in our clinical cohort. Based on protein sequence alignment, this amino acid position is highly conserved in available vertebrate species. In addition, this alteration is predicted to be deleterious by in silico analysis. Since supporting evidence is limited at this time, the clinical significance of p.Y817H remains unclear.

NM_032043.3(BRIP1):c.2449T>C (p.Tyr817His)

Gene: BRIP1 (BRCA1 interacting DNA helicase 1; minus strand). Cytogenetic location: 17q23.2.
Variant type: single nucleotide variant.
Coding change: c.2449T>C on transcript NM_032043.3 (MANE Select); coding-DNA position 2449, T replaced by C.
Protein change: p.Tyr817His; replaces tyrosine 817 with histidine.
Molecular consequence: missense variant.
Genome position (GRCh38, 1-based): chr17:61,715,994, A>G on the plus strand (T>C on the coding strand, the complement: BRIP1 is on the minus strand). VCF-style: chr17-61715994-A-G. GRCh37 (hg19) VCF-style: chr17-59793355-A-G.
Other names: short protein forms Y817H.
Identifiers: ClinVar variation 1791446 (VCV001791446.2), dbSNP rs2544696710, ClinGen allele CA400479569.